The following is an entry in ClinVar:

NM_005060.4(RORC):c.1395+113T>G

Gene: RORC (RAR related orphan receptor C; minus strand). Cytogenetic location: 1q21.3.
Variant type: single nucleotide variant.
Coding change: c.1395+113T>G on transcript NM_005060.4 (MANE Select); 113 bases into the intron after coding-DNA position 1395, T replaced by G.
Molecular consequence: intron variant.
Genome position (GRCh38, 1-based): chr1:151,811,212, A>C on the plus strand (T>G on the coding strand, the complement: RORC is on the minus strand). VCF-style: chr1-151811212-A-C. GRCh37 (hg19) VCF-style: chr1-151783688-A-C.
Other names: c.1332+113T>G (NM_001001523.2).
Identifiers: ClinVar variation 2628210 (VCV002628210.2), dbSNP rs939595, ClinGen allele CA10686958.

ClinVar aggregate classification (germline): Benign (1 of 4 stars; one submission).

Allele frequency attached by ClinVar (database versions not stated): gnomAD 0.64549; TOPMed 0.64689; 1000 Genomes Project 30x 0.69644; 1000 Genomes Project 0.69708.
gnomAD v4.1: 384,814 of 599,494 alleles (64%); highest among the groups gnomAD compares: South Asian, 75%; 124,865 homozygotes.

Submission:

Unidad de Genómica Garrahan, Hospital de Pediatría Garrahan
Classification: Benign. Last evaluated: 2023-11-12. Review status: criteria provided, single submitter. Criteria: ACMG Guidelines, 2015. Collection method: clinical testing. Allele origin: germline. Affected: no. Observed: 38 variant alleles.
Comment: This variant is classified as Benign based on local population frequency. This variant was detected in 40% of patients studied by a panel of primary immunodeficiencies. Number of patients: 38. Only high quality variants are reported.